The following is an entry in ClinVar:

NM_001843.4(CNTN1):c.342T>C (p.Cys114=)

Gene: CNTN1 (contactin 1; plus strand). Cytogenetic location: 12q12.
Variant type: single nucleotide variant.
Coding change: c.342T>C on transcript NM_001843.4 (MANE Select); coding-DNA position 342, T replaced by C.
Protein change: p.Cys114=; no amino-acid change (cysteine 114 retained).
Molecular consequence: synonymous variant.
Genome position (GRCh38, 1-based): chr12:40,922,370, T>C. VCF-style: chr12-40922370-T-C. GRCh37 (hg19) VCF-style: chr12-41316172-T-C.
Other names: c.342T>C, p.Cys114= (NM_001256063.2, NM_001256064.2); c.309T>C, p.Cys103= (NM_175038.2).
Identifiers: ClinVar variation 515147 (VCV000515147.6), dbSNP rs1555180947, ClinGen allele CA479269397.

ClinVar aggregate classification (germline): Likely benign. Review status: criteria provided, multiple submitters, no conflicts (2 of 4 stars). 2 submissions from 2 submitters: Likely benign (2). Last evaluated 2022-08-10.

Conditions:
Compton-North congenital myopathy (CMYO12). Identifiers: Orphanet 210163, MedGen C2675527, MONDO:0012929, OMIM 612540.

Submissions (2):

Labcorp Genetics (formerly Invitae), Labcorp
Classification: Likely benign for Compton-North congenital myopathy. Last evaluated: 2022-08-10. Review status: criteria provided, single submitter. Criteria: Invitae Variant Classification Sherloc (09022015). Collection method: clinical testing. Allele origin: germline.

GeneDx
Classification: Likely benign. Last evaluated: 2018-02-01. Review status: criteria provided, single submitter. Criteria: GeneDx Variant Classification (06012015). Collection method: clinical testing. Allele origin: germline. Affected: yes.
Comment: This variant is considered likely benign or benign based on one or more of the following criteria: it is a conservative change, it occurs at a poorly conserved position in the protein, it is predicted to be benign by multiple in silico algorithms, and/or has population frequency not consistent with disease.